The following is an entry in ClinVar:

ClinVar aggregate classification (germline): Benign/Likely benign. Review status: criteria provided, multiple submitters, no conflicts (2 of 4 stars). 3 submissions from 3 submitters: Benign (1); Likely benign (2). Last evaluated 2025-04-14.

Conditions:
Familial cancer of breast. Also called: Hereditary breast cancer; hereditary breast carcinoma; BREAST CANCER, FAMILIAL. Identifiers: Orphanet 227535, MedGen C0346153, MONDO:0016419, OMIM 114480. Disease mechanism: loss of function.
Ataxia-telangiectasia syndrome (AT). Also called: Cerebello-oculocutaneous telangiectasia; Immunodeficiency with ataxia telangiectasia; Ataxia-telangiectasia, complementation group E; Ataxia-telangiectasia, complementation group D; AT, COMPLEMENTATION GROUP C; ATAXIA-TELANGIECTASIA, COMPLEMENTATION GROUP A. Identifiers: Orphanet 100, MedGen C0004135, MONDO:0008840, OMIM 208900.
Hereditary cancer-predisposing syndrome. Also called: Hereditary Cancer Syndrome; Neoplastic Syndromes, Hereditary; Hereditary neoplastic syndrome; Tumor predisposition. Identifiers: Orphanet 140162, MedGen C0027672, MeSH D009386, MONDO:0015356.

Submissions (3):

Labcorp Genetics (formerly Invitae), Labcorp
Classification: Likely benign for Ataxia-telangiectasia syndrome. Last evaluated: 2025-04-14. Review status: criteria provided, single submitter. Criteria: Invitae Variant Classification Sherloc (09022015). Collection method: clinical testing. Allele origin: germline.

Myriad Genetics, Inc.
Classification: Benign for Familial cancer of breast. Last evaluated: 2024-04-18. Review status: criteria provided, single submitter. Criteria: Myriad Autosomal Dominant, Autosomal Recessive and X-Linked Classification Criteria (2023). Collection method: clinical testing. Allele origin: unknown.
Comment: This variant is considered benign. This variant is a silent/synonymous amino acid change and it is not expected to impact splicing.

Ambry Genetics
Classification: Likely benign for Hereditary cancer-predisposing syndrome. Last evaluated: 2019-07-26. Review status: criteria provided, single submitter. Criteria: Ambry Variant Classification Scheme 2023. Collection method: clinical testing. Allele origin: germline.

NM_000051.4(ATM):c.243T>C (p.Asn81=)

Gene: ATM (ATM serine/threonine kinase; plus strand). Cytogenetic location: 11q22.3.
Variant type: single nucleotide variant.
Coding change: c.243T>C on transcript NM_000051.4 (MANE Select); coding-DNA position 243, T replaced by C.
Protein change: p.Asn81=; no amino-acid change (asparagine 81 retained).
Molecular consequence: synonymous variant.
Genome position (GRCh38, 1-based): chr11:108,229,235, T>C. VCF-style: chr11-108229235-T-C. GRCh37 (hg19) VCF-style: chr11-108099962-T-C.
Other names: c.243T>C, p.Asn81= (NM_001351834.2, NM_001351835.2, NM_001351836.2).
Identifiers: ClinVar variation 821281 (VCV000821281.13), dbSNP rs1591451819, ClinGen allele CA476668245.